The following is an entry in ClinVar:

ClinVar aggregate classification (germline): Uncertain significance (1 of 4 stars; one submission).

Conditions:
Baller-Gerold syndrome (BGS). Also called: CRANIOSYNOSTOSIS WITH RADIAL DEFECTS. Identifiers: Orphanet 1225, MedGen C0265308, MONDO:0009039, OMIM 218600.

Submission:

Labcorp Genetics (formerly Invitae), Labcorp
Classification: Uncertain significance for Baller-Gerold syndrome. Last evaluated: 2024-04-01. Review status: criteria provided, single submitter. Criteria: Invitae Variant Classification Sherloc (09022015). Collection method: clinical testing. Allele origin: germline.
Comment: This sequence change replaces valine, which is neutral and non-polar, with alanine, which is neutral and non-polar, at codon 31 of the RECQL4 protein (p.Val31Ala). This variant is not present in population databases (gnomAD no frequency). This variant has not been reported in the literature in individuals affected with RECQL4-related conditions. ClinVar contains an entry for this variant (Variation ID: 2149353). Experimental studies and prediction algorithms are not available or were not evaluated, and the functional significance of this variant is currently unknown. In summary, the available evidence is currently insufficient to determine the role of this variant in disease. Therefore, it has been classified as a Variant of Uncertain Significance.

NM_004260.4(RECQL4):c.92T>C (p.Val31Ala)

Genes: RECQL4 (RecQ like helicase 4; minus strand), LOC130001411 (ATAC-STARR-seq lymphoblastoid silent region 19699; plus strand). Cytogenetic location: 8q24.3.
Variant type: single nucleotide variant.
Coding change: c.92T>C on transcript NM_004260.4 (MANE Select); coding-DNA position 92, T replaced by C.
Protein change: p.Val31Ala; replaces valine 31 with alanine.
Molecular consequence: missense variant.
Genome position (GRCh38, 1-based): chr8:144,517,628, A>G on the plus strand (T>C on the coding strand, the complement: RECQL4 is on the minus strand). VCF-style: chr8-144517628-A-G. GRCh37 (hg19) VCF-style: chr8-145743012-A-G.
Other names: c.92T>C, p.Val31Ala (NM_001413017.1, NM_001413018.1, NM_001413019.1 and 5 more transcripts); c.-629T>C (NM_001413021.1); c.-980T>C (NM_001413022.1, NM_001413023.1, NM_001413037.1 and 2 more transcripts); c.-877T>C (NM_001413024.1, NM_001413035.1); c.-1042T>C (NM_001413027.1, NM_001413030.1, NM_001413031.1 and 1 more transcripts); c.-705T>C (NM_001413028.1); c.-939T>C (NM_001413032.1); c.-884T>C (NM_001413034.1); and 2 more; short protein forms V31A.
Identifiers: ClinVar variation 2149353 (VCV002149353.4), dbSNP rs904809747, ClinGen allele CA372693510.